The following is an entry in ClinVar:

NM_002617.4(PEX10):c.601-56C>T

Gene: PEX10 (peroxisomal biogenesis factor 10; minus strand). Cytogenetic location: 1p36.32.
Variant type: single nucleotide variant.
Coding change: c.601-56C>T on transcript NM_002617.4 (MANE Select); 56 bases into the intron before coding-DNA position 601, C replaced by T.
Molecular consequence: intron variant. On other transcripts: missense variant (3).
Genome position (GRCh38, 1-based): chr1:2,406,951, G>A on the plus strand (C>T on the coding strand, the complement: PEX10 is on the minus strand). VCF-style: chr1-2406951-G-A. GRCh37 (hg19) VCF-style: chr1-2338390-G-A.
Other names: c.602C>T, p.Ala201Val (NM_001374425.1); c.170C>T, p.Ala57Val (NM_001374426.1); c.605C>T, p.Ala202Val (NM_153818.2); c.169-56C>T (NM_001374427.1); short protein forms A201V, A202V, A57V.
Identifiers: ClinVar variation 1026333 (VCV001026333.5), dbSNP rs761449217, ClinGen allele CA538108.

ClinVar aggregate classification (germline): Uncertain significance. Review status: criteria provided, single submitter (1 of 4 stars). 2 submissions from 2 submitters: Uncertain significance (1). 1 of the submissions does not count toward it. Last evaluated 2024-10-14.

Conditions:
Zellweger spectrum disorders (ZS). Also called: Zellweger syndrome; Zellweger Spectrum Disorder (ZSD); Zellweger Spectrum Disorder; Zellweger Spectrum. Identifiers: Orphanet 912, MedGen C0043459, MONDO:0019609.
Peroxisome biogenesis disorder, complementation group 7 (CG7). Also called: Peroxisome biogenesis disorder, complementation group B. Identifiers: MedGen C1864399.

Allele frequency attached by ClinVar (database versions not stated): TOPMed below 0.00001; gnomAD 0.00001; gnomAD exomes 0.00001 and 0.00002; ExAC 0.00003.
gnomAD v4.1: 12 of 1,575,890 alleles (0.00076%); highest among the groups gnomAD compares: Admixed American, 0.0037%; no homozygotes.

Submissions (2):

Labcorp Genetics (formerly Invitae), Labcorp
Classification: Uncertain significance for Peroxisome biogenesis disorder, complementation group 7. Last evaluated: 2024-10-14. Review status: criteria provided, single submitter. Criteria: Invitae Variant Classification Sherloc (09022015). Collection method: clinical testing. Allele origin: germline.
Comment: This sequence change replaces alanine, which is neutral and non-polar, with valine, which is neutral and non-polar, at codon 202 of the PEX10 protein (p.Ala202Val). The frequency data for this variant in the population databases is considered unreliable, as metrics indicate poor data quality at this position in the gnomAD database. This variant has not been reported in the literature in individuals affected with PEX10-related conditions. ClinVar contains an entry for this variant (Variation ID: 1026333). An algorithm developed to predict the effect of missense changes on protein structure and function outputs the following: PolyPhen-2: "Benign". The valine amino acid residue is found in multiple mammalian species, which suggests that this missense change does not adversely affect protein function. In summary, the available evidence is currently insufficient to determine the role of this variant in disease. Therefore, it has been classified as a Variant of Uncertain Significance.

Natera, Inc.
Classification: Uncertain significance for Zellweger syndrome. Last evaluated: 2019-12-27. Review status: no assertion criteria provided. Collection method: clinical testing. Allele origin: germline. Not counted in ClinVar's aggregate classification.